The following is an entry in ClinVar:

ClinVar aggregate classification (germline): Likely benign. Review status: criteria provided, multiple submitters, no conflicts (2 of 4 stars). 2 submissions from 2 submitters: Likely benign (2). Last evaluated 2025-08-01.

Conditions:
Hereditary cancer-predisposing syndrome. Also called: Neoplastic Syndromes, Hereditary; Tumor predisposition; Hereditary Cancer Syndrome; Hereditary neoplastic syndrome. Identifiers: Orphanet 140162, MedGen C0027672, MeSH D009386, MONDO:0015356.

Allele frequency attached by ClinVar (database versions not stated): TOPMed below 0.00001.

Submissions (2):

CeGaT Center for Human Genetics Tuebingen
Classification: Likely benign. Last evaluated: 2025-08-01. Review status: criteria provided, single submitter. Criteria: CeGaT Center For Human Genetics Tuebingen Variant Classification Criteria Version 2. Collection method: clinical testing. Allele origin: germline. Affected: yes. Observed: 1 variant allele.
Comment: PTCH1: PM2:Supporting, BP4, BP7

Ambry Genetics
Classification: Likely benign for Hereditary cancer-predisposing syndrome. Last evaluated: 2023-07-08. Review status: criteria provided, single submitter. Criteria: Ambry Variant Classification Scheme 2023. Collection method: clinical testing. Allele origin: germline.

NM_000264.5(PTCH1):c.84T>C (p.Ala28=)

Genes: PTCH1 (patched 1; minus strand), LOC130002133 (ATAC-STARR-seq lymphoblastoid silent region 20071; plus strand). Cytogenetic location: 9q22.32.
Variant type: single nucleotide variant.
Coding change: c.84T>C on transcript NM_000264.5 (MANE Select); coding-DNA position 84, T replaced by C.
Protein change: p.Ala28=; no amino-acid change (alanine 28 retained).
Molecular consequence: synonymous variant. On other transcripts: non-coding transcript variant (1), intron variant (3).
Genome position (GRCh38, 1-based): chr9:95,508,278, A>G on the plus strand (T>C on the coding strand, the complement: PTCH1 is on the minus strand). VCF-style: chr9-95508278-A-G. GRCh37 (hg19) VCF-style: chr9-98270560-A-G.
Other names: c.84T>C, p.Ala28= (NM_001354918.2); c.199-1679T>C (NM_001083603.3); c.4-1679T>C (NM_001083602.3, NM_001354919.2).
Identifiers: ClinVar variation 2626221 (VCV002626221.10), dbSNP rs1256433959, ClinGen allele CA466107784.